The following is an entry in ClinVar:

ClinVar aggregate classification (germline): Uncertain significance. Review status: criteria provided, multiple submitters, no conflicts (2 of 4 stars). 3 submissions from 3 submitters: Uncertain significance (3). Last evaluated 2025-04-27.

Conditions:
Ataxia-telangiectasia syndrome (AT). Also called: Cerebello-oculocutaneous telangiectasia; Immunodeficiency with ataxia telangiectasia; Ataxia-telangiectasia, complementation group E; Ataxia-telangiectasia, complementation group D; AT, COMPLEMENTATION GROUP C; ATAXIA-TELANGIECTASIA, COMPLEMENTATION GROUP A. Identifiers: Orphanet 100, MedGen C0004135, MONDO:0008840, OMIM 208900.
Hereditary cancer-predisposing syndrome. Also called: Hereditary Cancer Syndrome; Neoplastic Syndromes, Hereditary; Hereditary neoplastic syndrome; Tumor predisposition. Identifiers: Orphanet 140162, MedGen C0027672, MeSH D009386, MONDO:0015356.

Submissions (3):

Labcorp Genetics (formerly Invitae), Labcorp
Classification: Uncertain significance for Ataxia-telangiectasia syndrome. Last evaluated: 2025-04-27. Review status: criteria provided, single submitter. Criteria: Invitae Variant Classification Sherloc (09022015). Collection method: clinical testing. Allele origin: germline.
Comment: This sequence change replaces proline, which is neutral and non-polar, with alanine, which is neutral and non-polar, at codon 795 of the ATM protein (p.Pro795Ala). This variant is not present in population databases (gnomAD no frequency). This variant has not been reported in the literature in individuals affected with ATM-related conditions. ClinVar contains an entry for this variant (Variation ID: 821185). Invitae Evidence Modeling of protein sequence and biophysical properties (such as structural, functional, and spatial information, amino acid conservation, physicochemical variation, residue mobility, and thermodynamic stability) indicates that this missense variant is not expected to disrupt ATM protein function with a negative predictive value of 95%. In summary, the available evidence is currently insufficient to determine the role of this variant in disease. Therefore, it has been classified as a Variant of Uncertain Significance.

Color Diagnostics, LLC DBA Color Health
Classification: Uncertain significance for Hereditary cancer-predisposing syndrome. Last evaluated: 2020-01-28. Review status: criteria provided, single submitter. Criteria: ACMG Guidelines, 2015. Collection method: clinical testing. Allele origin: germline.
Comment: This missense variant replaces proline with alanine at codon 795 of the ATM protein. Computational prediction suggests that this variant may not impact protein structure and function (internally defined REVEL score threshold <= 0.5, PMID: 27666373). Splice site prediction tools suggest that this variant may not impact RNA splicing. To our knowledge, functional studies have not been performed for this variant. This variant has not been reported in individuals affected with hereditary cancer in the literature. This variant has not been identified in the general population by the Genome Aggregation Database (gnomAD). The available evidence is insufficient to determine the role of this variant in disease conclusively. Therefore, this variant is classified as a Variant of Uncertain Significance.

Ambry Genetics
Classification: Uncertain significance for Hereditary cancer-predisposing syndrome. Last evaluated: 2018-03-30. Review status: criteria provided, single submitter. Criteria: Ambry Variant Classification Scheme 2023. Collection method: clinical testing. Allele origin: germline.
Comment: The p.P795A variant (also known as c.2383C>G), located in coding exon 15 of the ATM gene, results from a C to G substitution at nucleotide position 2383. The proline at codon 795 is replaced by alanine, an amino acid with highly similar properties. This amino acid position is well conserved in available vertebrate species. In addition, this alteration is predicted to be tolerated by in silico analysis. Since supporting evidence is limited at this time, the clinical significance of this alteration remains unclear.

NM_000051.4(ATM):c.2383C>G (p.Pro795Ala)

Gene: ATM (ATM serine/threonine kinase; plus strand). Cytogenetic location: 11q22.3.
Variant type: single nucleotide variant.
Coding change: c.2383C>G on transcript NM_000051.4 (MANE Select); coding-DNA position 2383, C replaced by G.
Protein change: p.Pro795Ala; replaces proline 795 with alanine.
Molecular consequence: missense variant.
Genome position (GRCh38, 1-based): chr11:108,258,992, C>G. VCF-style: chr11-108258992-C-G. GRCh37 (hg19) VCF-style: chr11-108129719-C-G.
Other names: c.2383C>G, p.Pro795Ala (NM_001351834.2); short protein forms P795A.
Identifiers: ClinVar variation 821185 (VCV000821185.10), dbSNP rs1060501651, ClinGen allele CA382541034.